The following is an entry in ClinVar:

ClinVar aggregate classification (germline): Conflicting classifications of pathogenicity. Review status: criteria provided, conflicting classifications (1 of 4 stars). 3 submissions from 3 submitters: Pathogenic (1); Uncertain significance (2). Last evaluated 2023-10-30.

Conditions:
Infantile neuroaxonal dystrophy (NBIA2A). Also called: Infantile neuroaxonal dystrophy 1; NEURODEGENERATION WITH BRAIN IRON ACCUMULATION 2A; SEITELBERGER DISEASE. Identifiers: Orphanet 35069, MedGen C0270724, MONDO:0024457, OMIM 256600.
Neurodegeneration with brain iron accumulation 2B. Also called: NEUROAXONAL DYSTROPHY, ATYPICAL; NEURODEGENERATION WITH BRAIN IRON ACCUMULATION, PLA2G6-RELATED; aNAD; atypical Neuroaxonal Dystrophy (aNAD). Identifiers: Orphanet 35069, MedGen C1857747, MONDO:0012444, OMIM 610217.
Autosomal recessive Parkinson disease 14. Also called: DYSTONIA-PARKINSONISM, ADULT-ONSET; PARKINSON DISEASE 14. Identifiers: Orphanet 199351, MedGen C2751842, MONDO:0013060, OMIM 612953.

gnomAD v4.1: 3 of 1,552,570 alleles (0.00019%); highest among the groups gnomAD compares: Non-Finnish European, 0.00026%; no homozygotes.

Submissions (3):

Institute of Human Genetics, Clinical Exome/Genome Diagnostics Group, University Hospital Bonn
Classification: Uncertain significance. Last evaluated: 2023-10-30. Review status: criteria provided, single submitter. Criteria: ACMG Guidelines, 2015. Collection method: clinical testing. Allele origin: biparental.

Department of Pathology and Laboratory Medicine, Sinai Health System
Classification: Uncertain significance for Infantile neuroaxonal dystrophy; Neurodegeneration with brain iron accumulation 2B; Autosomal recessive Parkinson disease 14. Last evaluated: 2023-08-24. Review status: criteria provided, single submitter. Criteria: ACMG Guidelines, 2015. Collection method: research. Allele origin: germline.

GeneDx
Classification: Pathogenic. Last evaluated: 2015-06-04. Review status: criteria provided, single submitter. Criteria: GeneDx Variant Classification (06012015). Collection method: clinical testing. Allele origin: germline. Affected: yes.
Comment: The E501K variant in the PLA2G6 gene has not been reported previously as a pathogenic variantnor as a benign polymorphism, to our knowledge. The E501K variant was not observed in approximately6400 individuals of European and African American ancestry in the NHLBI Exome Sequencing Project,indicating it is not a common benign variant in these populations. The E501K variant is a non-conservativeamino acid substitution, which occurs at a position that is conserved across species, and in silico analysispredicts this variant is probably damaging to the protein structure/function. In addition, a differentmissense variant at this residue (E501Q) as well as missense variants at nearby residues (L491R,A499V, K502N) have been reported in the Human Gene Mutation Database in association with PLA2G6-related disorders (Stenson et al., 2014), supporting the functional importance of this region of the protein. We interpret E501K as a pathogenic variant.

NM_003560.4(PLA2G6):c.1501G>A (p.Glu501Lys)

Gene: PLA2G6 (phospholipase A2 group VI; minus strand). Cytogenetic location: 22q13.1.
Variant type: single nucleotide variant.
Coding change: c.1501G>A on transcript NM_003560.4 (MANE Select); coding-DNA position 1501, G replaced by A.
Protein change: p.Glu501Lys; replaces glutamic acid 501 with lysine.
Molecular consequence: missense variant.
Genome position (GRCh38, 1-based): chr22:38,123,185, C>T on the plus strand (G>A on the coding strand, the complement: PLA2G6 is on the minus strand). VCF-style: chr22-38123185-C-T. GRCh37 (hg19) VCF-style: chr22-38519192-C-T.
Other names: c.1339G>A, p.Glu447Lys (NM_001004426.3, NM_001199562.3, NM_001349865.2 and 1 more transcripts); c.1501G>A, p.Glu501Lys (NM_001349864.2); c.967G>A, p.Glu323Lys (NM_001349867.2); c.823G>A, p.Glu275Lys (NM_001349868.2); c.805G>A, p.Glu269Lys (NM_001349869.2); short protein forms E501K, E275K, E323K, E447K, E269K.
Identifiers: ClinVar variation 379833 (VCV000379833.4), dbSNP rs587784332, ClinGen allele CA16609098.